The following is an entry in ClinVar:

NM_001281740.3(FHOD3):c.1286+4C>G

Gene: FHOD3 (formin homology 2 domain containing 3; plus strand). Cytogenetic location: 18q12.2.
Variant type: single nucleotide variant.
Coding change: c.1286+4C>G on transcript NM_001281740.3 (MANE Select); 4 bases into the intron after coding-DNA position 1286, C replaced by G.
Molecular consequence: intron variant.
Genome position (GRCh38, 1-based): chr18:36,649,409, C>G. VCF-style: chr18-36649409-C-G. GRCh37 (hg19) VCF-style: chr18-34229372-C-G.
Other names: c.1197-8666C>G (NM_025135.5, NM_001281739.3).
Identifiers: ClinVar variation 4076422 (VCV004076422.2), dbSNP rs997278842.

ClinVar aggregate classification (germline): Conflicting classifications of pathogenicity. Review status: criteria provided, conflicting classifications (1 of 4 stars). 2 submissions from 2 submitters: Uncertain significance (1); Likely benign (1). Last evaluated 2025-07-24.

Conditions:
Cardiovascular phenotype. Identifiers: MedGen CN230736.

gnomAD v4.1: 5 of 1,533,814 alleles (0.00033%); highest among the groups gnomAD compares: Non-Finnish European, 0.00044%; no homozygotes.

Submissions (2):

Molecular Diagnostic Laboratory for Inherited Cardiovascular Disease, Montreal Heart Institute
Classification: Uncertain significance for Cardiovascular phenotype. Last evaluated: 2025-07-24. Review status: criteria provided, single submitter. Criteria: ACMG Guidelines, 2015. Collection method: clinical testing. Allele origin: germline. Affected: yes.
Comment: PM2, PVS1_supp

Blueprint Genetics
Classification: Likely benign. Last evaluated: 2024-04-30. Review status: criteria provided, single submitter. Criteria: ACMG Guidelines, 2015. Collection method: clinical testing. Allele origin: germline.